The following is an entry in ClinVar:

ClinVar aggregate classification (germline): Uncertain significance. Review status: criteria provided, multiple submitters, no conflicts (2 of 4 stars). 2 submissions from 2 submitters: Uncertain significance (2). Last evaluated 2024-11-07.

Allele frequency attached by ClinVar (database versions not stated): gnomAD 0.00001; gnomAD exomes 0.00001.
gnomAD v4.1: 5 of 1,611,822 alleles (0.00031%); highest among the groups gnomAD compares: African/African-American, 0.0013%; no homozygotes.

Submissions (2):

Ambry Genetics
Classification: Uncertain significance. Last evaluated: 2024-11-07. Review status: criteria provided, single submitter. Criteria: Ambry Variant Classification Scheme 2023. Collection method: clinical testing. Allele origin: germline.

Labcorp Genetics (formerly Invitae), Labcorp
Classification: Uncertain significance. Last evaluated: 2022-06-20. Review status: criteria provided, single submitter. Criteria: Invitae Variant Classification Sherloc (09022015). Collection method: clinical testing. Allele origin: germline.
Comment: This sequence change replaces aspartic acid, which is acidic and polar, with histidine, which is basic and polar, at codon 762 of the CCDC88A protein (p.Asp762His). This variant is not present in population databases (gnomAD no frequency). This variant has not been reported in the literature in individuals affected with CCDC88A-related conditions. Algorithms developed to predict the effect of missense changes on protein structure and function are either unavailable or do not agree on the potential impact of this missense change (SIFT: "Deleterious"; PolyPhen-2: "Probably Damaging"; Align-GVGD: "Class C0"). In summary, the available evidence is currently insufficient to determine the role of this variant in disease. Therefore, it has been classified as a Variant of Uncertain Significance.

NM_001365480.1(CCDC88A):c.2284G>C (p.Asp762His)

Gene: CCDC88A (coiled-coil domain containing 88A; minus strand). Cytogenetic location: 2p16.1.
Variant type: single nucleotide variant.
Coding change: c.2284G>C on transcript NM_001365480.1 (MANE Select); coding-DNA position 2284, G replaced by C.
Protein change: p.Asp762His; replaces aspartic acid 762 with histidine.
Molecular consequence: missense variant.
Genome position (GRCh38, 1-based): chr2:55,334,537, C>G on the plus strand (G>C on the coding strand, the complement: CCDC88A is on the minus strand). VCF-style: chr2-55334537-C-G. GRCh37 (hg19) VCF-style: chr2-55561673-C-G.
Other names: c.2284G>C, p.Asp762His (NM_001135597.2, NM_001254943.2, NM_018084.5); c.2284G>C (NM_001135597.1); short protein forms D762H.
Identifiers: ClinVar variation 1411602 (VCV001411602.4), dbSNP rs755992704, ClinGen allele CA346900193.
Genomic context (GRCh38, chr2:55,334,537, plus strand): 5'-ATTGCTGGATTTTTTTATTGCTGTTCTCTAAAGTTTTTTGCAGTCTTTGATTTTCTATAT[C>G]TAAACCCTGGTAGCTAACTTCTAAGCGTTCTGTTTTCTTGAAAGATGCTTTCAGGAGCTC-3'
Protein context (NP_001352409.1, residues 752-772): ERLEVSYQGL[Asp762His]IENQRLQKTL